The following is an entry in ClinVar:

NM_001371596.2(MFSD8):c.1390G>A (p.Ala464Thr)

Gene: MFSD8 (major facilitator superfamily domain containing 8; minus strand). Cytogenetic location: 4q28.2.
Variant type: single nucleotide variant.
Coding change: c.1390G>A on transcript NM_001371596.2 (MANE Select); coding-DNA position 1390, G replaced by A.
Protein change: p.Ala464Thr; replaces alanine 464 with threonine.
Molecular consequence: missense variant.
Genome position (GRCh38, 1-based): chr4:127,920,797, C>T on the plus strand (G>A on the coding strand, the complement: MFSD8 is on the minus strand). VCF-style: chr4-127920797-C-T. GRCh37 (hg19) VCF-style: chr4-128841952-C-T.
Other names: c.1390G>A (NM_152778.2); c.1189G>A, p.Ala397Thr (NM_001363520.3); c.1075G>A, p.Ala359Thr (NM_001363521.3); c.1255G>A, p.Ala419Thr (NM_001371590.2); c.1399G>A, p.Ala467Thr (NM_001371591.2); c.1396G>A, p.Ala466Thr (NM_001371592.2); c.1276G>A, p.Ala426Thr (NM_001371593.2); c.1243G>A, p.Ala415Thr (NM_001371594.2); and 4 more; short protein forms A359T, A426T, A467T, A397T, A419T, A464T, A466T, A314T.
Identifiers: ClinVar variation 2151748 (VCV002151748.5), dbSNP rs779648626, ClinGen allele CA3077229.

ClinVar aggregate classification (germline): Likely pathogenic. Review status: criteria provided, multiple submitters, no conflicts (2 of 4 stars). 2 submissions from 2 submitters: Likely pathogenic (2). Last evaluated 2025-10-16.

Conditions:
Neuronal ceroid lipofuscinosis 7 (CLN7). Also called: MFSD8-Related Neuronal Ceroid-Lipofuscinosis. Identifiers: Orphanet 168491, Orphanet 228366, MedGen C1838571, MONDO:0012588, OMIM 610951.
Late-infantile neuronal ceroid lipofuscinosis. Also called: Jansky-Bielschowsky disease. Identifiers: MedGen C0022340, MONDO:0015674.

Allele frequency attached by ClinVar (database versions not stated): ExAC 0.00001.

Submissions (2):

Labcorp Genetics (formerly Invitae), Labcorp
Classification: Likely pathogenic for Neuronal ceroid lipofuscinosis 7. Last evaluated: 2025-10-16. Review status: criteria provided, single submitter. Criteria: Invitae Variant Classification Sherloc (09022015). Collection method: clinical testing. Allele origin: germline.
Comment: This sequence change replaces alanine, which is neutral and non-polar, with threonine, which is neutral and polar, at codon 464 of the MFSD8 protein (p.Ala464Thr). This variant is present in population databases (rs779648626, gnomAD 0.003%). This missense change has been observed in individual(s) with clinical features of retinal dystrophy (internal data). In at least one individual the data is consistent with being in trans (on the opposite chromosome) from a pathogenic variant. ClinVar contains an entry for this variant (Variation ID: 2151748). Invitae Evidence Modeling of protein sequence and biophysical properties (such as structural, functional, and spatial information, amino acid conservation, physicochemical variation, residue mobility, and thermodynamic stability) indicates that this missense variant is expected to disrupt MFSD8 protein function with a positive predictive value of 80%. In summary, the currently available evidence indicates that the variant is pathogenic, but additional data are needed to prove that conclusively. Therefore, this variant has been classified as Likely Pathogenic.

Natera, Inc.
Classification: Likely pathogenic for Late-infantile neuronal ceroid lipofuscinosis. Last evaluated: 2025-06-24. Review status: criteria provided, single submitter. Criteria: Natera Variant Classification Schema (03/2026). Collection method: clinical testing. Allele origin: germline.
Comment: The c.1390G>A variant in MFSD8 is a missense variant predicted to cause substitution of alanine to threonine at amino acid 464. This variant is rare in the general population with a frequency below the threshold expected for the associated phenotype(s). This variant has been observed in one or more individuals affected with the associated recessive disease, as either homozygous or compound heterozygous with a second variant (PMID: 38659533). This variant has been identified in one or more affected individuals with a phenotype highly consistent with the associated gene (PMID: 38659533). Computational prediction algorithms indicate this variant is likely to affect gene or protein function. Given the available evidence, this variant is classified as Likely Pathogenic.

Literature cited by the submitters: PubMed 38659533 (cited by Natera, Inc.).